The following is an entry in ClinVar:

NM_000361.3(THBD):c.1537G>A (p.Val513Met)

Gene: THBD (thrombomodulin; minus strand). Cytogenetic location: 20p11.21.
Variant type: single nucleotide variant.
Coding change: c.1537G>A on transcript NM_000361.3 (MANE Select); coding-DNA position 1537, G replaced by A.
Protein change: p.Val513Met; replaces valine 513 with methionine.
Molecular consequence: missense variant.
Genome position (GRCh38, 1-based): chr20:23,047,968, C>T on the plus strand (G>A on the coding strand, the complement: THBD is on the minus strand). VCF-style: chr20-23047968-C-T. GRCh37 (hg19) VCF-style: chr20-23028605-C-T.
Other names: short protein forms V513M.
Identifiers: ClinVar variation 3623686 (VCV003623686.2).

ClinVar aggregate classification (germline): Uncertain significance (1 of 4 stars; one submission).

Submission:

Labcorp Genetics (formerly Invitae), Labcorp
Classification: Uncertain significance. Last evaluated: 2024-05-13. Review status: criteria provided, single submitter. Criteria: Invitae Variant Classification Sherloc (09022015). Collection method: clinical testing. Allele origin: germline.
Comment: This sequence change replaces valine, which is neutral and non-polar, with methionine, which is neutral and non-polar, at codon 513 of the THBD protein (p.Val513Met). The frequency data for this variant in the population databases is considered unreliable, as metrics indicate poor data quality at this position in the gnomAD database. This variant has not been reported in the literature in individuals affected with THBD-related conditions. Advanced modeling of protein sequence and biophysical properties (such as structural, functional, and spatial information, amino acid conservation, physicochemical variation, residue mobility, and thermodynamic stability) performed at Invitae indicates that this missense variant is not expected to disrupt THBD protein function with a negative predictive value of 80%. In summary, the available evidence is currently insufficient to determine the role of this variant in disease. Therefore, it has been classified as a Variant of Uncertain Significance.